The following is an entry in ClinVar:

ClinVar aggregate classification (germline): Uncertain significance (1 of 4 stars; one submission).

Conditions:
Cardiovascular phenotype. Identifiers: MedGen CN230736.

Allele frequency attached by ClinVar (database versions not stated): gnomAD exomes below 0.00001; gnomAD 0.00001.

Submission:

Ambry Genetics
Classification: Uncertain significance for Cardiovascular phenotype. Last evaluated: 2023-04-10. Review status: criteria provided, single submitter. Criteria: Ambry Variant Classification Scheme 2023. Collection method: clinical testing. Allele origin: germline.
Comment: The p.V216G variant (also known as c.647T>G), located in coding exon 5 of the SCN1B gene, results from a T to G substitution at nucleotide position 647. The valine at codon 216 is replaced by glycine, an amino acid with dissimilar properties. This amino acid position is highly conserved in available vertebrate species. In addition, this alteration is predicted to be deleterious by in silico analysis. Since supporting evidence is limited at this time, the clinical significance of this alteration remains unclear.

NM_001037.5(SCN1B):c.647T>G (p.Val216Gly)

Gene: SCN1B (sodium voltage-gated channel beta subunit 1; plus strand). Cytogenetic location: 19q13.11.
Variant type: single nucleotide variant.
Coding change: c.647T>G on transcript NM_001037.5 (MANE Select); coding-DNA position 647, T replaced by G.
Protein change: p.Val216Gly; replaces valine 216 with glycine.
Molecular consequence: missense variant.
Genome position (GRCh38, 1-based): chr19:35,039,691, T>G. VCF-style: chr19-35039691-T-G. GRCh37 (hg19) VCF-style: chr19-35530595-T-G.
Other names: c.548T>G, p.Val183Gly (NM_001321605.2); short protein forms V216G, V183G.
Identifiers: ClinVar variation 2561490 (VCV002561490.2), dbSNP rs1454941605, ClinGen allele CA405330333.